The following is an entry in ClinVar:

ClinVar aggregate classification (germline): Uncertain significance (1 of 4 stars; one submission).

Submission:

GeneDx
Classification: Uncertain significance. Last evaluated: 2023-12-18. Review status: criteria provided, single submitter. Criteria: GeneDx Variant Classification Process June 2021. Collection method: clinical testing. Allele origin: germline. Affected: yes.
Comment: Not observed at significant frequency in large population cohorts (gnomAD); In silico analysis supports that this missense variant has a deleterious effect on protein structure/function; Has not been previously published as pathogenic or benign to our knowledge; This variant is associated with the following publications: (PMID: 33811134)

NM_172362.3(KCNH1):c.2077C>G (p.Arg693Gly)

Gene: KCNH1 (potassium voltage-gated channel subfamily H member 1; minus strand). Cytogenetic location: 1q32.2.
Variant type: single nucleotide variant.
Coding change: c.2077C>G on transcript NM_172362.3 (MANE Select); coding-DNA position 2077, C replaced by G.
Protein change: p.Arg693Gly; replaces arginine 693 with glycine.
Molecular consequence: missense variant.
Genome position (GRCh38, 1-based): chr1:210,775,383, G>C on the plus strand (C>G on the coding strand, the complement: KCNH1 is on the minus strand). VCF-style: chr1-210775383-G-C. GRCh37 (hg19) VCF-style: chr1-210948725-G-C.
Other names: c.1996C>G, p.Arg666Gly (NM_002238.4); short protein forms R666G, R693G.
Identifiers: ClinVar variation 3369994 (VCV003369994.1).